The following is an entry in ClinVar:

ClinVar aggregate classification (germline): Uncertain significance. Review status: criteria provided, multiple submitters, no conflicts (2 of 4 stars). 2 submissions from 2 submitters: Uncertain significance (2). Last evaluated 2023-08-04.

Conditions:
Inborn genetic diseases. Identifiers: MedGen C0950123, MeSH D030342.
Arginase deficiency. Also called: ARGININEMIA; ARG1 DEFICIENCY; Arginase 1 Deficiency. Identifiers: Orphanet 90, MedGen C0268548, MONDO:0008814, OMIM 207800.

Allele frequency attached by ClinVar (database versions not stated): gnomAD exomes 0.00001.
gnomAD v4.1: 19 of 1,614,150 alleles (0.0012%); highest among the groups gnomAD compares: East Asian, 0.0045%; no homozygotes.

Submissions (2):

Labcorp Genetics (formerly Invitae), Labcorp
Classification: Uncertain significance for Arginase deficiency. Last evaluated: 2023-08-04. Review status: criteria provided, single submitter. Criteria: Invitae Variant Classification Sherloc (09022015). Collection method: clinical testing. Allele origin: germline.
Comment: This sequence change replaces isoleucine, which is neutral and non-polar, with valine, which is neutral and non-polar, at codon 315 of the ARG1 protein (p.Ile315Val). This variant is not present in population databases (gnomAD no frequency). This variant has not been reported in the literature in individuals affected with ARG1-related conditions. ClinVar contains an entry for this variant (Variation ID: 1438236). Algorithms developed to predict the effect of missense changes on protein structure and function output the following: SIFT: "Not Available"; PolyPhen-2: "Benign"; Align-GVGD: "Not Available". The valine amino acid residue is found in multiple mammalian species, which suggests that this missense change does not adversely affect protein function. In summary, the available evidence is currently insufficient to determine the role of this variant in disease. Therefore, it has been classified as a Variant of Uncertain Significance.

Ambry Genetics
Classification: Uncertain significance for Inborn genetic diseases. Last evaluated: 2023-03-17. Review status: criteria provided, single submitter. Criteria: Ambry Variant Classification Scheme 2023. Collection method: clinical testing. Allele origin: germline.

NM_000045.4(ARG1):c.943A>G (p.Ile315Val)

Genes: ARG1 (arginase 1; plus strand), MED23 (mediator complex subunit 23; minus strand). Cytogenetic location: 6q23.2.
Variant type: single nucleotide variant.
Coding change: c.943A>G on transcript NM_000045.4 (MANE Select); coding-DNA position 943, A replaced by G.
Protein change: p.Ile315Val; replaces isoleucine 315 with valine.
Molecular consequence: missense variant. On other transcripts: non-coding transcript variant (1), intron variant (2).
Genome position (GRCh38, 1-based): chr6:131,583,882, A>G. VCF-style: chr6-131583882-A-G. GRCh37 (hg19) VCF-style: chr6-131905022-A-G.
Other names: c.967A>G, p.Ile323Val (NM_001244438.2); c.688A>G, p.Ile230Val (NM_001369020.1); c.4077+3827T>C (NM_001270521.2); c.4095+3827T>C (NM_015979.4); short protein forms I230V, I323V, I315V.
Identifiers: ClinVar variation 1438236 (VCV001438236.10), dbSNP rs2114551786, ClinGen allele CA365653757.